The following is an entry in ClinVar:

NM_033109.5(PNPT1):c.29G>A (p.Cys10Tyr)

Genes: PNPT1 (polyribonucleotide nucleotidyltransferase 1; minus strand), LOC129933771 (ATAC-STARR-seq lymphoblastoid active region 15786; plus strand). Cytogenetic location: 2p16.1.
Variant type: single nucleotide variant.
Coding change: c.29G>A on transcript NM_033109.5 (MANE Select); coding-DNA position 29, G replaced by A.
Protein change: p.Cys10Tyr; replaces cysteine 10 with tyrosine.
Molecular consequence: missense variant.
Genome position (GRCh38, 1-based): chr2:55,693,795, C>T on the plus strand (G>A on the coding strand, the complement: PNPT1 is on the minus strand). VCF-style: chr2-55693795-C-T. GRCh37 (hg19) VCF-style: chr2-55920930-C-T.
Other names: c.29G>A (NM_033109.4); short protein forms C10Y.
Identifiers: ClinVar variation 1434562 (VCV001434562.5), dbSNP rs750331676, ClinGen allele CA1668650.

ClinVar aggregate classification (germline): Uncertain significance. Review status: criteria provided, multiple submitters, no conflicts (2 of 4 stars). 3 submissions from 3 submitters: Uncertain significance (3). Last evaluated 2025-12-16.

Conditions:
PNPT1-related disorder. Also called: PNPT1-related disorders; PNPT1-related condition.

Allele frequency attached by ClinVar (database versions not stated): ExAC 0.00003; gnomAD 0.00003 and 0.00004; gnomAD exomes 0.00003; TOPMed 0.00008.
gnomAD v4.1: 56 of 1,613,844 alleles (0.0035%); highest among the groups gnomAD compares: Middle Eastern, 0.033%; no homozygotes.

Submissions (3):

PreventionGenetics, part of Exact Sciences
Classification: Uncertain significance for PNPT1-related condition. Last evaluated: 2025-12-16. Review status: criteria provided, single submitter. Criteria: ACMG Guidelines, 2015. Collection method: clinical testing. Allele origin: germline.
Comment: The PNPT1 c.29G>A variant is predicted to result in the amino acid substitution p.Cys10Tyr. To our knowledge, this variant has not been reported in the literature. This variant is reported in 0.010% of alleles in individuals of Ashkenazi Jewish descent in gnomAD. At this time, the clinical significance of this variant is uncertain due to the absence of conclusive functional and genetic evidence.

GeneDx
Classification: Uncertain significance. Last evaluated: 2023-11-14. Review status: criteria provided, single submitter. Criteria: GeneDx Variant Classification Process June 2021. Collection method: clinical testing. Allele origin: germline. Affected: yes.
Comment: Not observed at significant frequency in large population cohorts (gnomAD); In silico analysis supports that this missense variant does not alter protein structure/function; Has not been previously published as pathogenic or benign to our knowledge

Labcorp Genetics (formerly Invitae), Labcorp
Classification: Uncertain significance. Last evaluated: 2021-12-24. Review status: criteria provided, single submitter. Criteria: Invitae Variant Classification Sherloc (09022015). Collection method: clinical testing. Allele origin: germline.
Comment: This sequence change replaces cysteine, which is neutral and slightly polar, with tyrosine, which is neutral and polar, at codon 10 of the PNPT1 protein (p.Cys10Tyr). This variant is present in population databases (rs750331676, gnomAD 0.01%). This variant has not been reported in the literature in individuals affected with PNPT1-related conditions. Algorithms developed to predict the effect of missense changes on protein structure and function output the following: SIFT: "Tolerated"; PolyPhen-2: "Benign"; Align-GVGD: "Class C0". The tyrosine amino acid residue is found in multiple mammalian species, which suggests that this missense change does not adversely affect protein function. In summary, the available evidence is currently insufficient to determine the role of this variant in disease. Therefore, it has been classified as a Variant of Uncertain Significance.